The following is an entry in ClinVar:

NM_001148.6(ANK2):c.8812T>C (p.Ser2938Pro)

Gene: ANK2 (ankyrin 2; plus strand). Cytogenetic location: 4q26.
Variant type: single nucleotide variant.
Coding change: c.8812T>C on transcript NM_001148.6 (MANE Select); coding-DNA position 8812, T replaced by C.
Protein change: p.Ser2938Pro; replaces serine 2938 with proline.
Molecular consequence: missense variant. On other transcripts: intron variant (68).
Genome position (GRCh38, 1-based): chr4:113,357,430, T>C. VCF-style: chr4-113357430-T-C. GRCh37 (hg19) VCF-style: chr4-114278586-T-C.
Other names: c.8578T>C, p.Ser2860Pro (NM_001386142.1); c.5212T>C, p.Ser1738Pro (NM_001386166.1); c.8953T>C, p.Ser2985Pro (NM_001386174.1); c.8929T>C, p.Ser2977Pro (NM_001386175.1); c.4412-3393T>C (NM_001386186.2, NM_001386148.2); c.4214-3393T>C (NM_001354269.3); c.4292-3393T>C (NM_001386187.2); c.4253-3393T>C (NM_001386147.1); and 35 more; short protein forms S2938P, S1738P, S2860P, S2977P, S2985P.
Identifiers: ClinVar variation 575158 (VCV000575158.9), dbSNP rs745764335, ClinGen allele CA103816386.

ClinVar aggregate classification (germline): Conflicting classifications of pathogenicity. Review status: criteria provided, conflicting classifications (1 of 4 stars). 2 submissions from 2 submitters: Uncertain significance (1); Likely benign (1). Last evaluated 2025-10-29.

Conditions:
Long QT syndrome (LQTS). Identifiers: MedGen C0023976, MeSH D008133, MONDO:0002442. Disease mechanism: loss of function. Inheritance: Various modes of inheritance.
Cardiovascular phenotype. Identifiers: MedGen CN230736.

Allele frequency attached by ClinVar (database versions not stated): gnomAD exomes 0.00001 and below 0.00001.
gnomAD v4.1: 9 of 1,614,100 alleles (0.00056%); highest among the groups gnomAD compares: Non-Finnish European, 0.00068%; no homozygotes.

Submissions (2):

Labcorp Genetics (formerly Invitae), Labcorp
Classification: Uncertain significance for Long QT syndrome. Last evaluated: 2025-10-29. Review status: criteria provided, single submitter. Criteria: Invitae Variant Classification Sherloc (09022015). Collection method: clinical testing. Allele origin: germline.
Comment: This sequence change replaces serine, which is neutral and polar, with proline, which is neutral and non-polar, at codon 2938 of the ANK2 protein (p.Ser2938Pro). This variant is present in population databases (rs745764335, gnomAD 0.0009%). This variant has not been reported in the literature in individuals affected with ANK2-related conditions. ClinVar contains an entry for this variant (Variation ID: 575158). An algorithm developed to predict the effect of missense changes on protein structure and function outputs the following: PolyPhen-2: "Possibly Damaging". The proline amino acid residue is found in multiple mammalian species, which suggests that this missense change does not adversely affect protein function. In summary, the available evidence is currently insufficient to determine the role of this variant in disease. Therefore, it has been classified as a Variant of Uncertain Significance.

Ambry Genetics
Classification: Likely benign for Cardiovascular phenotype. Last evaluated: 2021-08-06. Review status: criteria provided, single submitter. Criteria: Ambry Variant Classification Scheme 2023. Collection method: clinical testing. Allele origin: germline.